The following is an entry in ClinVar:

ClinVar aggregate classification (germline): Pathogenic (1 of 4 stars; one submission).

Conditions:
Early-infantile DEE. Also called: Early infantile epileptic encephalopathy; Early infantile epileptic encephalopathy with suppression bursts; Ohtahara syndrome. Identifiers: Orphanet 1934, MedGen C0393706, MONDO:0800491.

Submission:

Labcorp Genetics (formerly Invitae), Labcorp
Classification: Pathogenic for Early-infantile DEE. Last evaluated: 2019-04-18. Review status: criteria provided, single submitter. Criteria: Invitae Variant Classification Sherloc (09022015). Collection method: clinical testing. Allele origin: germline.
Comment: This variant is not present in population databases (ExAC no frequency). This sequence change creates a premature translational stop signal (p.Leu988Trpfs*5) in the SCN1A gene. It is expected to result in an absent or disrupted protein product. For these reasons, this variant has been classified as Pathogenic. Loss-of-function variants in SCN1A are known to be pathogenic (PMID: 17347258, 18930999).

Literature cited by the submitters: PubMed 17347258; PubMed 18930999.

NM_001165963.4(SCN1A):c.2961del (p.Leu988fs)

Gene: SCN1A (sodium voltage-gated channel alpha subunit 1; minus strand). Cytogenetic location: 2q24.3.
Variant type: Deletion.
Coding change: c.2961del on transcript NM_001165963.4 (MANE Select); coding-DNA position 2961, one base deleted (T; older notation c.2961delT).
Protein change: p.Leu988fs; shifts the reading frame from leucine 988.
Molecular consequence: frameshift variant. On other transcripts: non-coding transcript variant (1).
Genome position (GRCh38, 1-based): chr2:166,036,516, A deleted on the plus strand (T on the coding strand, the reverse complement: SCN1A is on the minus strand); the first of 3 consecutive A bases (chr2:166,036,516-166,036,518); deleting any one gives the same sequence. VCF-style (leftmost placement, unchanged base first): chr2-166036515-GA-G. GRCh37 (hg19) VCF-style: chr2-166893025-GA-G.
Other names: c.2877del, p.Leu960fs (NM_001165964.3, NM_001353957.2, NM_001353958.2); c.2961del, p.Leu988fs (NM_001202435.3, NM_001353948.2); c.2928del, p.Leu977fs (NM_001353949.2, NM_001353950.2, NM_001353951.2 and 2 more transcripts); c.2925del, p.Leu976fs (NM_001353954.2, NM_001353955.2); c.2874del, p.Leu959fs (NM_001353960.2); c.519del, p.Leu174fs (NM_001353961.2); short protein forms L977fs, L959fs, L988fs, L174fs, L960fs, L976fs.
Identifiers: ClinVar variation 860829 (VCV000860829.10), dbSNP rs1696403750, ClinGen allele CA916082224.